The following is an entry in ClinVar:

NM_001366110.1(PAX4):c.13G>A (p.Gly5Arg)

Gene: PAX4 (paired box 4; minus strand). Cytogenetic location: 7q32.1.
Variant type: single nucleotide variant.
Coding change: c.13G>A on transcript NM_001366110.1 (MANE Select); coding-DNA position 13, G replaced by A.
Protein change: p.Gly5Arg; replaces glycine 5 with arginine.
Molecular consequence: missense variant.
Genome position (GRCh38, 1-based): chr7:127,615,916, C>T on the plus strand (G>A on the coding strand, the complement: PAX4 is on the minus strand). VCF-style: chr7-127615916-C-T. GRCh37 (hg19) VCF-style: chr7-127255970-C-T.
Other names: c.13G>A, p.Gly5Arg (NM_001366111.1); short protein forms G5R.
Identifiers: ClinVar variation 3052553 (VCV003052553.2), dbSNP rs538664131, ClinGen allele CA4468265.

ClinVar aggregate classification (germline): Likely benign (0 of 4 stars; one submission).

Conditions:
PAX4-related disorder. Also called: PAX4-related condition.

Allele frequency attached by ClinVar (database versions not stated): gnomAD exomes 0.00002; TOPMed 0.00006; ExAC 0.00007; gnomAD 0.00008; 1000 Genomes Project 30x 0.00016; 1000 Genomes Project 0.00020.
gnomAD v4.1: 40 of 1,536,136 alleles (0.0026%); highest among the groups gnomAD compares: African/African-American, 0.015%; no homozygotes.

Submission:

PreventionGenetics, part of Exact Sciences
Classification: Likely benign for PAX4-related condition. Last evaluated: 2019-09-03. Review status: no assertion criteria provided. Collection method: clinical testing. Allele origin: germline.
Comment: This variant is classified as likely benign based on ACMG/AMP sequence variant interpretation guidelines (Richards et al. 2015 PMID: 25741868, with internal and published modifications).